The following is an entry in ClinVar:

NC_000022.11:g.(?_31754902)_(31906517_?)del

Genes: DEPDC5 (DEP domain containing 5, GATOR1 subcomplex subunit; plus strand), LOC125446219 (Sharpr-MPRA regulatory region 5531; plus strand), LOC126863124 (P300/CBP strongly-dependent group 1 enhancer GRCh37_chr22:32225023-32226222; plus strand), LOC130067262 (ATAC-STARR-seq lymphoblastoid active region 18872; plus strand). Cytogenetic location: 22q12.2-12.3.
Variant type: Deletion.
Identifiers: ClinVar variation 647951 (VCV000647951.3).

ClinVar aggregate classification (germline): Pathogenic (1 of 4 stars; one submission).

Conditions:
Epilepsy, familial focal, with variable foci 1 (FFEVF1). Also called: DEPDC5-Related Epilepsy. Identifiers: MedGen C4551983, MONDO:0024556, OMIM 604364.

Submission:

Labcorp Genetics (formerly Invitae), Labcorp
Classification: Pathogenic for Familial focal epilepsy with variable foci. Last evaluated: 2018-09-28. Review status: criteria provided, single submitter. Criteria: Invitae Variant Classification Sherloc (09022015). Collection method: clinical testing. Allele origin: germline.
Comment: A gross deletion of the genomic region encompassing the full coding sequence of the DEPDC5 gene has been identified. The boundaries of this event are unknown as the deletion extends beyond the assayed region for this gene and therefore may encompass additional genes. This variant has not been reported in the literature in individuals with DEPDC5-related disease. Loss-of-function variants in DEPDC5 are known to be pathogenic (PMID: 23542697, 23542701). For these reasons, this variant has been classified as Pathogenic.